The following is an entry in ClinVar:

NM_178857.6(RP1L1):c.454dup (p.Arg152fs)

Gene: RP1L1 (RP1 like 1). Cytogenetic location: 8p23.1.
Variant type: Duplication.
Coding change: c.454dup on transcript NM_178857.6 (MANE Select); coding-DNA position 454, one base duplicated.
Protein change: p.Arg152fs; shifts the reading frame from arginine 152.
Molecular consequence: frameshift variant.
Genome position: GRCh38 VCF-style: chr8-10622747-C-CG. GRCh37 (hg19) VCF-style: chr8-10480257-C-CG.
Other names: short protein forms R152fs.
Identifiers: ClinVar variation 2069484 (VCV002069484.4), dbSNP rs778634096, ClinGen allele CA4625689.
Genomic context (GRCh38, chr8:10,622,747, plus strand): 5'-TGACTGAGAACCACTGTCTGCTGGAGGCGAGGGTCCATGTTCTTAATCAGCAGTATCCTC[C>CG]GGGGGGTTTTAAGACTCTTCCGGGAGGAGGAGGTGCCTGGGGCTTCACGCTGGCCTTCGA-3'

ClinVar aggregate classification (germline): Conflicting classifications of pathogenicity. Review status: criteria provided, conflicting classifications (1 of 4 stars). 2 submissions from 2 submitters: Likely pathogenic (1); Uncertain significance (1). Last evaluated 2025-09-13.

Conditions:
RP1L1-related disorder. Also called: RP1L1-related condition.

Submissions (2):

Labcorp Genetics (formerly Invitae), Labcorp
Classification: Uncertain significance. Last evaluated: 2025-09-13. Review status: criteria provided, single submitter. Criteria: Invitae Variant Classification Sherloc (09022015). Collection method: clinical testing. Allele origin: germline.
Comment: This sequence change creates a premature translational stop signal (p.Arg152Profs*7) in the RP1L1 gene. It is expected to result in an absent or disrupted protein product. However, the current clinical and genetic evidence is not sufficient to establish whether loss-of-function variants in RP1L1 cause disease. This variant is present in population databases (rs778634096, gnomAD 0.003%). This variant has not been reported in the literature in individuals affected with RP1L1-related conditions. ClinVar contains an entry for this variant (Variation ID: 2069484). In summary, the available evidence is currently insufficient to determine the role of this variant in disease. Therefore, it has been classified as a Variant of Uncertain Significance.

Blueprint Genetics
Classification: Likely pathogenic for RP1L1-related disorders. Last evaluated: 2021-06-17. Review status: criteria provided, single submitter. Criteria: ACMG Guidelines, 2015. Collection method: clinical testing. Allele origin: germline. Affected: yes. Observed: 1 variant allele.